The following is an entry in ClinVar:

ClinVar aggregate classification (germline): Uncertain significance. Review status: criteria provided, multiple submitters, no conflicts (2 of 4 stars). 2 submissions from 2 submitters: Uncertain significance (2). Last evaluated 2025-06-26.

Conditions:
Long QT syndrome (LQTS). Identifiers: MedGen C0023976, MeSH D008133, MONDO:0002442. Disease mechanism: loss of function. Inheritance: Various modes of inheritance.
Cardiac arrhythmia. Also called: Cardiac rhythm disease; Arrhythmia. Identifiers: MedGen C0003811, MONDO:0007263, HP:0011675.

gnomAD v4.1: 2 of 1,576,418 alleles (0.00013%); highest among the groups gnomAD compares: South Asian, 0.0012%; no homozygotes.

Submissions (2):

Color Diagnostics, LLC DBA Color Health
Classification: Uncertain significance for Cardiac arrhythmia. Last evaluated: 2025-06-26. Review status: criteria provided, single submitter. Criteria: ACMG Guidelines, 2015. Collection method: clinical testing. Allele origin: germline.
Comment: This missense variant replaces proline with threonine at codon 630 of the KCNQ1 protein. Computational prediction is inconclusive regarding the impact of this variant on protein structure and function. To our knowledge, functional studies have not been reported for this variant. This variant has not been reported in individuals affected with KCNQ1-related disorders in the literature. This variant has been identified in 1/186924 chromosomes in the general population by the Genome Aggregation Database (gnomAD). The available evidence is insufficient to determine the role of this variant in disease conclusively. Therefore, this variant is classified as a Variant of Uncertain Significance.

Labcorp Genetics (formerly Invitae), Labcorp
Classification: Uncertain significance for Long QT syndrome. Last evaluated: 2022-05-13. Review status: criteria provided, single submitter. Criteria: Invitae Variant Classification Sherloc (09022015). Collection method: clinical testing. Allele origin: germline.
Comment: In summary, the available evidence is currently insufficient to determine the role of this variant in disease. Therefore, it has been classified as a Variant of Uncertain Significance. Algorithms developed to predict the effect of missense changes on protein structure and function (SIFT, PolyPhen-2, Align-GVGD) all suggest that this variant is likely to be tolerated. This variant has not been reported in the literature in individuals affected with KCNQ1-related conditions. The frequency data for this variant in the population databases is considered unreliable, as metrics indicate poor data quality at this position in the gnomAD database. This sequence change replaces proline, which is neutral and non-polar, with threonine, which is neutral and polar, at codon 630 of the KCNQ1 protein (p.Pro630Thr).

NM_000218.3(KCNQ1):c.1888C>A (p.Pro630Thr)

Genes: KCNQ1 (potassium voltage-gated channel subfamily Q member 1; plus strand), KCNQ1-AS1 (KCNQ1 antisense RNA 1; minus strand). Cytogenetic location: 11p15.4.
Variant type: single nucleotide variant.
Coding change: c.1888C>A on transcript NM_000218.3 (MANE Select); coding-DNA position 1888, C replaced by A.
Protein change: p.Pro630Thr; replaces proline 630 with threonine.
Molecular consequence: missense variant.
Genome position (GRCh38, 1-based): chr11:2,847,860, C>A. VCF-style: chr11-2847860-C-A. GRCh37 (hg19) VCF-style: chr11-2869090-C-A.
Other names: c.1792C>A, p.Pro598Thr (NM_001406836.1); c.1618C>A, p.Pro540Thr (NM_001406837.1); c.1348C>A, p.Pro450Thr (NM_001406838.1); c.400C>A, p.Pro134Thr (NM_001406839.1); c.1507C>A, p.Pro503Thr (NM_181798.2); short protein forms P630T, P503T, P134T, P450T, P540T, P598T.
Identifiers: ClinVar variation 1915551 (VCV001915551.5), dbSNP rs199472822, ClinGen allele CA033609.
Genomic context (GRCh38, chr11:2,847,860, plus strand): 5'-ACCGACATGCTTCACCAGCTGCTCTCCTTGCACGGTGGCAGCACCCCCGGCAGCGGCGGC[C>A]CCCCCAGAGAGGGCGGGGCCCACATCACCCAGCCCTGCGGCAGTGGCGGCTCCGTCGACC-3'
Protein context (NP_000209.2, residues 620-640): HGGSTPGSGG[Pro630Thr]PREGGAHITQ